The following is an entry in ClinVar:

ClinVar aggregate classification (germline): Uncertain significance. Review status: criteria provided, multiple submitters, no conflicts (2 of 4 stars). 8 submissions from 8 submitters: Uncertain significance (8). Last evaluated 2026-08-10.

Conditions:
Pheochromocytoma/paraganglioma syndrome 5. Also called: Paragangliomas 5; SDHA-Related Hereditary Paraganglioma-Pheochromocytoma Syndrome. Identifiers: Orphanet 29072, MedGen C3279992, MONDO:0013602, OMIM 614165.
Mitochondrial complex II deficiency, nuclear type 1. Also called: SUCCINATE CoQ REDUCTASE DEFICIENCY. Identifiers: Orphanet 3208, MedGen C5700310, MONDO:0100294, OMIM 252011.
Dilated cardiomyopathy 1GG (CMD1GG). Identifiers: Orphanet 154, MedGen C3150898, MONDO:0013339, OMIM 613642.
Neurodegeneration with ataxia and late-onset optic atrophy. Identifiers: MedGen C5543254, MONDO:0031006, OMIM 619259.
SDHA-related disorder. Also called: SDHA-related disorders; SDHA-related condition.
Hereditary cancer-predisposing syndrome. Also called: Neoplastic Syndromes, Hereditary; Hereditary neoplastic syndrome; Hereditary Cancer Syndrome; Tumor predisposition. Identifiers: Orphanet 140162, MedGen C0027672, MeSH D009386, MONDO:0015356.

Allele frequency attached by ClinVar (database versions not stated): gnomAD 0.00001; gnomAD exomes 0.00001.

Submissions (8):

PreventionGenetics, part of Exact Sciences
Classification: Uncertain significance for SDHA-related condition. Last evaluated: 2026-08-10. Review status: criteria provided, single submitter. Criteria: ACMG Guidelines, 2015. Collection method: clinical testing. Allele origin: germline.
Comment: The SDHA c.23C>G variant is predicted to result in the amino acid substitution p.Ser8Trp. To our knowledge, this variant has not been reported in the literature. This variant is reported in 0.0071% of alleles in individuals of South Asian descent in gnomAD. This variant is interpreted as uncertain in ClinVar (Variation ID: 239665). At this time, the clinical significance of this variant is uncertain due to the absence of conclusive functional and genetic evidence.

Mayo Clinic Laboratories, Mayo Clinic
Classification: Uncertain significance. Last evaluated: 2025-12-05. Review status: criteria provided, single submitter. Criteria: ACMG Guidelines, 2015. Collection method: clinical testing. Allele origin: germline. Observed: 1 variant allele.
Comment: BP4

Labcorp Genetics (formerly Invitae), Labcorp
Classification: Uncertain significance for Pheochromocytoma/paraganglioma syndrome 5; Mitochondrial complex II deficiency, nuclear type 1. Last evaluated: 2025-12-03. Review status: criteria provided, single submitter. Criteria: Invitae Variant Classification Sherloc (09022015). Collection method: clinical testing. Allele origin: germline.
Comment: This sequence change replaces serine, which is neutral and polar, with tryptophan, which is neutral and slightly polar, at codon 8 of the SDHA protein (p.Ser8Trp). The frequency data for this variant in the population databases is considered unreliable, as metrics indicate poor data quality at this position in the gnomAD database. This variant has not been reported in the literature in individuals affected with SDHA-related conditions. ClinVar contains an entry for this variant (Variation ID: 239665). Invitae Evidence Modeling of protein sequence and biophysical properties (such as structural, functional, and spatial information, amino acid conservation, physicochemical variation, residue mobility, and thermodynamic stability) indicates that this missense variant is not expected to disrupt SDHA protein function with a negative predictive value of 95%. In summary, the available evidence is currently insufficient to determine the role of this variant in disease. Therefore, it has been classified as a Variant of Uncertain Significance.

GeneDx
Classification: Uncertain significance. Last evaluated: 2025-09-28. Review status: criteria provided, single submitter. Criteria: GeneDx Variant Classification Process June 2021. Collection method: clinical testing. Allele origin: germline. Affected: yes.
Comment: Not observed at a significant frequency in large population cohorts (gnomAD); In silico analysis suggests that this missense variant does not alter protein structure/function; Has not been previously published as pathogenic or benign to our knowledge

Ambry Genetics
Classification: Uncertain significance for Hereditary cancer-predisposing syndrome. Last evaluated: 2024-08-09. Review status: criteria provided, single submitter. Criteria: Ambry Variant Classification Scheme 2023. Collection method: clinical testing. Allele origin: germline.
Comment: The p.S8W variant (also known as c.23C>G), located in coding exon 1 of the SDHA gene, results from a C to G substitution at nucleotide position 23. The serine at codon 8 is replaced by tryptophan, an amino acid with highly dissimilar properties. This amino acid position is well conserved in available vertebrate species. In addition, this alteration is predicted to be tolerated by in silico analysis. Since supporting evidence is limited at this time, the clinical significance of this alteration remains unclear.

Fulgent Genetics
Classification: Uncertain significance for Mitochondrial complex II deficiency, nuclear type 1; Dilated cardiomyopathy 1GG; Pheochromocytoma/paraganglioma syndrome 5; Neurodegeneration with ataxia and late-onset optic atrophy. Last evaluated: 2024-03-05. Review status: criteria provided, single submitter. Criteria: ACMG Guidelines, 2015. Collection method: clinical testing. Allele origin: germline.

Baylor Genetics
Classification: Uncertain significance for Dilated cardiomyopathy 1GG. Last evaluated: 2024-02-19. Review status: criteria provided, single submitter. Criteria: ACMG Guidelines, 2015. Collection method: clinical testing. Allele origin: unknown.

Quest Diagnostics Nichols Institute San Juan Capistrano
Classification: Uncertain significance. Last evaluated: 2023-07-03. Review status: criteria provided, single submitter. Criteria: Quest Diagnostics criteria. Collection method: clinical testing. Allele origin: unknown.
Comment: This variant has not been reported in individuals with SDHA-related conditions in the published literature. The frequency of this variant in the general population, 0.000009 (1/111128 chromosomes (Genome Aggregation Database)), is uninformative in the assessment of its pathogenicity. Analysis of this variant using bioinformatics tools for the prediction of the effect of amino acid changes on protein structure and function yielded predictions that this variant is benign. Based on the available information, we are unable to determine the clinical significance of this variant.

NM_004168.4(SDHA):c.23C>G (p.Ser8Trp)

Gene: SDHA (succinate dehydrogenase complex flavoprotein subunit A; plus strand). Cytogenetic location: 5p15.33.
Variant type: single nucleotide variant.
Coding change: c.23C>G on transcript NM_004168.4 (MANE Select); coding-DNA position 23, C replaced by G.
Protein change: p.Ser8Trp; replaces serine 8 with tryptophan.
Molecular consequence: missense variant.
Genome position (GRCh38, 1-based): chr5:218,378, C>G. VCF-style: chr5-218378-C-G. GRCh37 (hg19) VCF-style: chr5-218493-C-G.
Other names: p.Ser8Trp; c.23C>G, p.Ser8Trp (NM_001294332.2, NM_001330758.2); short protein forms S8W.
Identifiers: ClinVar variation 239665 (VCV000239665.21), dbSNP rs878854631, ClinGen allele CA10582417.